The following is an entry in ClinVar:

ClinVar aggregate classification (germline): Uncertain significance (1 of 4 stars; one submission).

Submission:

Labcorp Genetics (formerly Invitae), Labcorp
Classification: Uncertain significance. Last evaluated: 2023-01-30. Review status: criteria provided, single submitter. Criteria: Invitae Variant Classification Sherloc (09022015). Collection method: clinical testing. Allele origin: germline.
Comment: This sequence change replaces glycine, which is neutral and non-polar, with serine, which is neutral and polar, at codon 162 of the TUBA8 protein (p.Gly162Ser). This variant is not present in population databases (gnomAD no frequency). This variant has not been reported in the literature in individuals affected with TUBA8-related conditions. Advanced modeling of protein sequence and biophysical properties (such as structural, functional, and spatial information, amino acid conservation, physicochemical variation, residue mobility, and thermodynamic stability) performed at Invitae indicates that this missense variant is not expected to disrupt TUBA8 protein function. In summary, the available evidence is currently insufficient to determine the role of this variant in disease. Therefore, it has been classified as a Variant of Uncertain Significance.

NM_018943.3(TUBA8):c.484G>A (p.Gly162Ser)

Gene: TUBA8 (tubulin alpha 8; plus strand). Cytogenetic location: 22q11.21.
Variant type: single nucleotide variant.
Coding change: c.484G>A on transcript NM_018943.3 (MANE Select); coding-DNA position 484, G replaced by A.
Protein change: p.Gly162Ser; replaces glycine 162 with serine.
Molecular consequence: missense variant.
Genome position (GRCh38, 1-based): chr22:18,126,462, G>A. VCF-style: chr22-18126462-G-A. GRCh37 (hg19) VCF-style: chr22-18609229-G-A.
Other names: c.286G>A, p.Gly96Ser (NM_001193414.2); short protein forms G96S, G162S.
Identifiers: ClinVar variation 2964591 (VCV002964591.3), dbSNP rs2517708455, ClinGen allele CA410263070.